The following is an entry in ClinVar:

ClinVar aggregate classification (germline): Uncertain significance (1 of 4 stars; one submission).

Submission:

Labcorp Genetics (formerly Invitae), Labcorp
Classification: Uncertain significance. Last evaluated: 2023-12-01. Review status: criteria provided, single submitter. Criteria: Invitae Variant Classification Sherloc (09022015). Collection method: clinical testing. Allele origin: germline.
Comment: This sequence change replaces tryptophan, which is neutral and slightly polar, with cysteine, which is neutral and slightly polar, at codon 1594 of the KMT2A protein (p.Trp1594Cys). This variant is not present in population databases (gnomAD no frequency). This variant has not been reported in the literature in individuals affected with KMT2A-related conditions. Advanced modeling of protein sequence and biophysical properties (such as structural, functional, and spatial information, amino acid conservation, physicochemical variation, residue mobility, and thermodynamic stability) performed at Invitae indicates that this missense variant is expected to disrupt KMT2A protein function with a positive predictive value of 95%. In summary, the available evidence is currently insufficient to determine the role of this variant in disease. Therefore, it has been classified as a Variant of Uncertain Significance.

NM_001197104.2(KMT2A):c.4782G>C (p.Trp1594Cys)

Gene: KMT2A (lysine methyltransferase 2A; plus strand). Cytogenetic location: 11q23.3.
Variant type: single nucleotide variant.
Coding change: c.4782G>C on transcript NM_001197104.2 (MANE Select); coding-DNA position 4782, G replaced by C.
Protein change: p.Trp1594Cys; replaces tryptophan 1594 with cysteine.
Molecular consequence: missense variant.
Genome position (GRCh38, 1-based): chr11:118,491,281, G>C. VCF-style: chr11-118491281-G-C. GRCh37 (hg19) VCF-style: chr11-118361996-G-C.
Other names: c.4881G>C, p.Trp1627Cys (NM_001412597.1); c.4782G>C, p.Trp1594Cys (NM_005933.4); short protein forms W1594C, W1627C.
Identifiers: ClinVar variation 2698011 (VCV002698011.3), dbSNP rs2134339035, ClinGen allele CA382834453.